The following is an entry in ClinVar:

ClinVar aggregate classification (germline): Pathogenic (1 of 4 stars; one submission).

Conditions:
Joubert syndrome. Also called: CEREBELLOPARENCHYMAL DISORDER IV; JOUBERT-BOLTSHAUSER SYNDROME; Familial aplasia of the vermis. Identifiers: Orphanet 475, MedGen C5979921, MONDO:0018772.
Meckel-Gruber syndrome. Also called: DYSENCEPHALIA SPLANCHNOCYSTICA; GRUBER SYNDROME; Dysencephalia splachnocystica. Identifiers: Orphanet 564, MedGen C0265215, MONDO:0018921.

Submission:

Labcorp Genetics (formerly Invitae), Labcorp
Classification: Pathogenic for Joubert syndrome; Meckel-Gruber syndrome. Last evaluated: 2023-11-28. Review status: criteria provided, single submitter. Criteria: Invitae Variant Classification Sherloc (09022015). Collection method: clinical testing. Allele origin: germline.
Comment: This sequence change creates a premature translational stop signal (p.Gly220Alafs*3) in the RPGRIP1L gene. It is expected to result in an absent or disrupted protein product. Loss-of-function variants in RPGRIP1L are known to be pathogenic (PMID: 17558409). This variant is not present in population databases (gnomAD no frequency). This variant has not been reported in the literature in individuals affected with RPGRIP1L-related conditions. For these reasons, this variant has been classified as Pathogenic.

Literature cited by the submitters: PubMed 17558409.

NM_015272.5(RPGRIP1L):c.659del (p.Gly220fs)

Gene: RPGRIP1L (RPGRIP1 like; minus strand). Cytogenetic location: 16q12.2.
Variant type: Deletion.
Coding change: c.659del on transcript NM_015272.5 (MANE Select); coding-DNA position 659, one base deleted (G; older notation c.659delG).
Protein change: p.Gly220fs; shifts the reading frame from glycine 220.
Molecular consequence: frameshift variant.
Genome position (GRCh38, 1-based): chr16:53,686,550, C deleted on the plus strand (G on the coding strand, the reverse complement: RPGRIP1L is on the minus strand); the first of 2 consecutive C bases (chr16:53,686,550-53,686,551); deleting either gives the same sequence. VCF-style (leftmost placement, unchanged base first): chr16-53686549-GC-G. GRCh37 (hg19) VCF-style: chr16-53720461-GC-G.
Other names: c.659del, p.Gly220fs (NM_001127897.4, NM_001308334.3, NM_001330538.2); short protein forms G220fs.
Identifiers: ClinVar variation 2954276 (VCV002954276.3), dbSNP rs2544640636, ClinGen allele CA2633238005.